The following is an entry in ClinVar:

ClinVar aggregate classification (germline): Pathogenic/Likely pathogenic. Review status: criteria provided, multiple submitters, no conflicts (2 of 4 stars). 2 submissions from 2 submitters: Pathogenic (1); Likely pathogenic (1). Last evaluated 2024-11-11.

Conditions:
Maple syrup urine disease type 2 (MSUD2). Also called: Maple syrup urine disease, type II. Identifiers: MedGen C1855371, MONDO:0023693, OMIM 620699.
Maple syrup urine disease (MSUD). Identifiers: Orphanet 511, MedGen C0024776, MeSH D008375, MONDO:0009563. Disease mechanism: loss of function.

Submissions (2):

Labcorp Genetics (formerly Invitae), Labcorp
Classification: Pathogenic for Maple syrup urine disease. Last evaluated: 2024-11-11. Review status: criteria provided, single submitter. Criteria: Invitae Variant Classification Sherloc (09022015). Collection method: clinical testing. Allele origin: germline.
Comment: This sequence change affects a donor splice site in intron 10 of the DBT gene. While this variant is not anticipated to result in nonsense mediated decay, it likely alters RNA splicing and results in a disrupted protein product. This variant is not present in population databases (gnomAD no frequency). Disruption of this splice site has been observed in individual(s) with maple syrup urine disease (PMID: 24516753). Variants that disrupt the consensus splice site are a relatively common cause of aberrant splicing (PMID: 17576681, 9536098). Algorithms developed to predict the effect of sequence changes on RNA splicing suggest that this variant may disrupt the consensus splice site. This variant disrupts a region of the DBT protein in which other variant(s) (p.Met477Arg) have been determined to be pathogenic (PMID: 20307994; internal data). This suggests that this is a clinically significant region of the protein, and that variants that disrupt it are likely to be disease-causing. For these reasons, this variant has been classified as Pathogenic.

Fulgent Genetics
Classification: Likely pathogenic for Maple syrup urine disease type 2. Last evaluated: 2024-01-03. Review status: criteria provided, single submitter. Criteria: ACMG Guidelines, 2015. Collection method: clinical testing. Allele origin: germline.

Literature cited by the submitters: PubMed 24516753 (cited by Labcorp Genetics (formerly Invitae), Labcorp); PubMed 17576681 (cited by Labcorp Genetics (formerly Invitae), Labcorp); PubMed 9536098 (cited by Labcorp Genetics (formerly Invitae), Labcorp); PubMed 20307994 (cited by Labcorp Genetics (formerly Invitae), Labcorp).

NM_001918.5(DBT):c.1281+1G>A

Gene: DBT (dihydrolipoamide branched chain transacylase E2; minus strand). Cytogenetic location: 1p21.2.
Variant type: single nucleotide variant.
Coding change: c.1281+1G>A on transcript NM_001918.5 (MANE Select); the canonical splice donor site of the intron after coding-DNA position 1281, G replaced by A.
Molecular consequence: splice donor variant.
Genome position (GRCh38, 1-based): chr1:100,206,229, C>T on the plus strand (G>A on the coding strand, the complement: DBT is on the minus strand). VCF-style: chr1-100206229-C-T. GRCh37 (hg19) VCF-style: chr1-100671785-C-T.
Other names: c.738+1G>A (NM_001399972.1, NM_001399969.1).
Identifiers: ClinVar variation 3574696 (VCV003574696.3).